The following is an entry in ClinVar:

NM_000784.4(CYP27A1):c.790G>A (p.Val264Met)

Gene: CYP27A1 (cytochrome P450 family 27 subfamily A member 1; plus strand). Cytogenetic location: 2q35.
Variant type: single nucleotide variant.
Coding change: c.790G>A on transcript NM_000784.4 (MANE Select); coding-DNA position 790, G replaced by A.
Protein change: p.Val264Met; replaces valine 264 with methionine.
Molecular consequence: missense variant.
Genome position (GRCh38, 1-based): chr2:218,812,695, G>A. VCF-style: chr2-218812695-G-A. GRCh37 (hg19) VCF-style: chr2-219677418-G-A.
Other names: c.790G>A (NM_000784.3); short protein forms V264M.
Identifiers: ClinVar variation 500768 (VCV000500768.17), dbSNP rs201500822, ClinGen allele CA2112717.

ClinVar aggregate classification (germline): Conflicting classifications of pathogenicity. Review status: criteria provided, conflicting classifications (1 of 4 stars). 4 submissions from 4 submitters: Uncertain significance (2); Likely benign (2). Last evaluated 2026-03-17.

Conditions:
Cardiovascular phenotype. Identifiers: MedGen CN230736.
Cholestanol storage disease (CTX). Also called: CEREBRAL CHOLESTERINOSIS; Cerebrotendinous Xanthomatosis; CTX: Cerebrotendinous xanthomatosis. Identifiers: Orphanet 909, MedGen C0238052, MONDO:0008948, OMIM 213700.

Allele frequency attached by ClinVar (database versions not stated): gnomAD exomes 0.00005; gnomAD 0.00006 and 0.00008; ExAC 0.00008; ESP Exome Variant Server 0.00008; TOPMed 0.00009; 1000 Genomes Project 0.00020; 1000 Genomes Project 30x 0.00031.

Submissions (4):

Ambry Genetics
Classification: Likely benign for Cardiovascular phenotype. Last evaluated: 2026-03-17. Review status: criteria provided, single submitter. Criteria: Ambry Variant Classification Scheme 2023. Collection method: clinical testing. Allele origin: germline.

GeneDx
Classification: Uncertain significance. Last evaluated: 2026-02-04. Review status: criteria provided, single submitter. Criteria: GeneDx Variant Classification Process June 2021. Collection method: clinical testing. Allele origin: germline.
Comment: In silico analysis suggests that this missense variant does not alter protein structure/function; Has not been previously published as pathogenic or benign to our knowledge

Labcorp Genetics (formerly Invitae), Labcorp
Classification: Likely benign for Cholestanol storage disease. Last evaluated: 2026-01-14. Review status: criteria provided, single submitter. Criteria: Invitae Variant Classification Sherloc (09022015). Collection method: clinical testing. Allele origin: germline.

Eurofins Ntd Llc (ga)
Classification: Uncertain significance. Last evaluated: 2017-03-08. Review status: criteria provided, single submitter. Criteria: EGL Classification Definitions 2015. Collection method: clinical testing. Allele origin: germline. Observed: 1 variant allele, 1 heterozygote.